The following is an entry in ClinVar:

NM_006904.7(PRKDC):c.2894C>A (p.Thr965Lys)

Gene: PRKDC (protein kinase, DNA-activated, catalytic subunit; minus strand). Cytogenetic location: 8q11.21.
Variant type: single nucleotide variant.
Coding change: c.2894C>A on transcript NM_006904.7 (MANE Select); coding-DNA position 2894, C replaced by A.
Protein change: p.Thr965Lys; replaces threonine 965 with lysine.
Molecular consequence: missense variant.
Genome position (GRCh38, 1-based): chr8:47,912,450, G>T on the plus strand (C>A on the coding strand, the complement: PRKDC is on the minus strand). VCF-style: chr8-47912450-G-T. GRCh37 (hg19) VCF-style: chr8-48825010-G-T.
Other names: c.2894C>A, p.Thr965Lys (NM_001081640.2); short protein forms T965K.
Identifiers: ClinVar variation 1797333 (VCV001797333.2), dbSNP rs762681954, ClinGen allele CA371158739.

ClinVar aggregate classification (germline): Uncertain significance (1 of 4 stars; one submission).

Submission:

Ambry Genetics
Classification: Uncertain significance. Last evaluated: 2022-05-29. Review status: criteria provided, single submitter. Criteria: Ambry Variant Classification Scheme 2023. Collection method: clinical testing. Allele origin: germline.
Comment: The p.T965K variant (also known as c.2894C>A), located in coding exon 25 of the PRKDC gene, results from a C to A substitution at nucleotide position 2894. The threonine at codon 965 is replaced by lysine, an amino acid with similar properties. This amino acid position is conserved. In addition, this alteration is predicted to be tolerated by in silico analysis. Since supporting evidence is limited at this time, the clinical significance of this alteration remains unclear.